The following is an entry in ClinVar:

ClinVar aggregate classification (germline): Uncertain significance (1 of 4 stars; one submission).

Allele frequency attached by ClinVar (database versions not stated): gnomAD 0.00001; ExAC 0.00003; TOPMed 0.00001; gnomAD exomes 0.00001.
gnomAD v4.1: 18 of 1,611,618 alleles (0.0011%); highest among the groups gnomAD compares: Non-Finnish European, 0.0015%; no homozygotes.

Submission:

Labcorp Genetics (formerly Invitae), Labcorp
Classification: Uncertain significance. Last evaluated: 2025-10-13. Review status: criteria provided, single submitter. Criteria: Invitae Variant Classification Sherloc (09022015). Collection method: clinical testing. Allele origin: germline.
Comment: This sequence change replaces cysteine, which is neutral and slightly polar, with serine, which is neutral and polar, at codon 1174 of the PIK3C2A protein (p.Cys1174Ser). This variant is present in population databases (rs777700839, gnomAD 0.006%). This variant has not been reported in the literature in individuals affected with PIK3C2A-related conditions. ClinVar contains an entry for this variant (Variation ID: 1959705). An algorithm developed to predict the effect of missense changes on protein structure and function (PolyPhen-2) suggests that this variant is likely to be disruptive. In summary, the available evidence is currently insufficient to determine the role of this variant in disease. Therefore, it has been classified as a Variant of Uncertain Significance.

NM_002645.4(PIK3C2A):c.3520T>A (p.Cys1174Ser)

Gene: PIK3C2A (phosphatidylinositol-4-phosphate 3-kinase catalytic subunit type 2 alpha; minus strand). Cytogenetic location: 11p15.1.
Variant type: single nucleotide variant.
Coding change: c.3520T>A on transcript NM_002645.4 (MANE Select); coding-DNA position 3520, T replaced by A.
Protein change: p.Cys1174Ser; replaces cysteine 1174 with serine.
Molecular consequence: missense variant.
Genome position (GRCh38, 1-based): chr11:17,110,456, A>T on the plus strand (T>A on the coding strand, the complement: PIK3C2A is on the minus strand). VCF-style: chr11-17110456-A-T. GRCh37 (hg19) VCF-style: chr11-17132003-A-T.
Other names: c.3520T>A, p.Cys1174Ser (NM_001321378.2); c.2380T>A, p.Cys794Ser (NM_001321380.2); c.3352T>A, p.Cys1118Ser (NM_001386870.1); short protein forms C794S, C1118S, C1174S.
Identifiers: ClinVar variation 1959705 (VCV001959705.4), dbSNP rs777700839, ClinGen allele CA5900758.